The following is an entry in ClinVar:

NM_172245.4(CSF2RA):c.947-561G>A

Gene: CSF2RA (colony stimulating factor 2 receptor subunit alpha; plus strand). Cytogenetic location: Xp22.33.
Variant type: single nucleotide variant.
Coding change: c.947-561G>A on transcript NM_172245.4 (MANE Select); 561 bases into the intron before coding-DNA position 947, G replaced by A.
Molecular consequence: intron variant. On other transcripts: missense variant (3).
Genome position (GRCh38, 1-based): chrX:1,303,362, G>A. VCF-style: chrX-1303362-G-A. GRCh37 (hg19) VCF-style: chrX-1422255-G-A.
Other names: c.1048G>A, p.Gly350Ser (NM_001161530.2, NM_001379153.1, NM_001379154.1); c.947-561G>A (NM_001379163.1, NM_001379159.1, NM_001379162.1 and 9 more transcripts); c.947-2084G>A (NM_001379167.1, NM_001379169.1, NM_172247.3 and 1 more transcripts); c.946+2736G>A (NM_172246.4); c.647-2084G>A (NM_172249.4); c.917-561G>A (NM_001379160.1); c.855-2084G>A (NM_001379166.1); c.548-561G>A (NM_001161532.2); short protein forms G350S.
Identifiers: ClinVar variation 4977854 (VCV004977854.1).
Genomic context (GRCh38, chrX:1,303,362, plus strand): 5'-CTCGGCTCACTGCAACCTCCGTCTCCCAGGCTCAAGCGATTCTCCTGCCTCAGACTCCCA[G>A]GTAGATAGGATTACAGGCACCCACCACCATGCCTGGCTAATTTTGTATTTTTTTTTTAGC-3'

ClinVar aggregate classification (germline): Benign (1 of 4 stars; one submission).

Conditions:
CSF2RA-related disorder. Also called: CSF2RA-related condition.

gnomAD v4.1: 4,396 of 424,650 alleles (1%); highest among the groups gnomAD compares: African/African-American, 8.2%; 182 homozygotes.

Submission:

PreventionGenetics, part of Exact Sciences
Classification: Benign for CSF2RA-related condition. Last evaluated: 2026-01-06. Review status: criteria provided, single submitter. Criteria: ACMG Guidelines, 2015. Collection method: clinical testing. Allele origin: germline.
Comment: This variant is classified as benign based on ACMG/AMP sequence variant interpretation guidelines (Richards et al. 2015 PMID: 25741868, with internal and published modifications).